The following is an entry in ClinVar:

NM_001377.3(DYNC2H1):c.12622C>T (p.Leu4208=)

Gene: DYNC2H1 (dynein cytoplasmic 2 heavy chain 1; plus strand). Cytogenetic location: 11q22.3.
Variant type: single nucleotide variant.
Coding change: c.12622C>T on transcript NM_001377.3 (MANE Select); coding-DNA position 12622, C replaced by T.
Protein change: p.Leu4208=; no amino-acid change (leucine 4208 retained).
Molecular consequence: synonymous variant.
Genome position (GRCh38, 1-based): chr11:103,456,330, C>T. VCF-style: chr11-103456330-C-T. GRCh37 (hg19) VCF-style: chr11-103327058-C-T.
Other names: c.12643C>T, p.Leu4215= (NM_001080463.2).
Identifiers: ClinVar variation 386511 (VCV000386511.8), dbSNP rs752163457, ClinGen allele CA6255624.

ClinVar aggregate classification (germline): Conflicting classifications of pathogenicity. Review status: criteria provided, conflicting classifications (1 of 4 stars). 3 submissions from 3 submitters: Uncertain significance (1); Likely benign (2). Last evaluated 2023-12-30.

Conditions:
Jeune thoracic dystrophy. Also called: Short-rib thoracic dysplasia; Jeune syndrome; Infantile thoracic dystrophy; Thoracic pelvic phalangeal dystrophy; Jeune's syndrome; Chondroectodermal dysplasia-like syndrome. Identifiers: Orphanet 474, MedGen C0265275, MONDO:0018770.
Asphyxiating thoracic dystrophy 3. Also called: Short rib polydactyly syndrome 2B; POLYDACTYLY WITH NEONATAL CHONDRODYSTROPHY, TYPE I; SHORT-RIB THORACIC DYSPLASIA 3/6 WITH POLYDACTYLY, DIGENIC; Saldino-Noonan Syndrome; SHORT-RIB THORACIC DYSPLASIA 3 WITH OR WITHOUT POLYDACTYLY. Identifiers: Orphanet 474, Orphanet 93269, Orphanet 93270, Orphanet 93271, MedGen C0036069, MONDO:0013127, OMIM 613091.

Allele frequency attached by ClinVar (database versions not stated): ExAC 0.00001; gnomAD 0.00001; gnomAD exomes 0.00001 and 0.00002; TOPMed 0.00001.
gnomAD v4.1: 18 of 1,606,334 alleles (0.0011%); highest among the groups gnomAD compares: Non-Finnish European, 0.00043%; no homozygotes.

Submissions (3):

Labcorp Genetics (formerly Invitae), Labcorp
Classification: Likely benign for Jeune thoracic dystrophy. Last evaluated: 2023-12-30. Review status: criteria provided, single submitter. Criteria: Invitae Variant Classification Sherloc (09022015). Collection method: clinical testing. Allele origin: germline.

Illumina Laboratory Services, Illumina
Classification: Uncertain significance for Asphyxiating thoracic dystrophy 3. Last evaluated: 2018-01-12. Review status: criteria provided, single submitter. Criteria: ICSL Variant Classification Criteria 13 December 2019. Collection method: clinical testing. Allele origin: germline.

GeneDx
Classification: Likely benign. Last evaluated: 2016-05-23. Review status: criteria provided, single submitter. Criteria: GeneDx Variant Classification (06012015). Collection method: clinical testing. Allele origin: germline. Affected: yes.
Comment: This variant is considered likely benign or benign based on one or more of the following criteria: it is a conservative change, it occurs at a poorly conserved position in the protein, it is predicted to be benign by multiple in silico algorithms, and/or has population frequency not consistent with disease.